The following is an entry in ClinVar:

ClinVar aggregate classification (germline): Benign (1 of 4 stars; one submission).

gnomAD v4.1: 251 of 152,170 alleles (0.16%); highest among the groups gnomAD compares: African/African-American, 0.57%; 4 homozygotes.

Submission:

CeGaT Center for Human Genetics Tuebingen
Classification: Benign. Last evaluated: 2026-07-01. Review status: criteria provided, single submitter. Criteria: CeGaT Center For Human Genetics Tuebingen Variant Classification Criteria Version 2. Collection method: clinical testing. Allele origin: germline. Affected: yes. Observed: 2 variant alleles.
Comment: MYT1L: BS1, BS2

NM_001303052.2(MYT1L):c.3080+1532T>A

Gene: MYT1L (myelin transcription factor 1 like; minus strand). Cytogenetic location: 2p25.3.
Variant type: single nucleotide variant.
Coding change: c.3080+1532T>A on transcript NM_001303052.2 (MANE Select); 1532 bases into the intron after coding-DNA position 3080, T replaced by A.
Molecular consequence: intron variant.
Genome position (GRCh38, 1-based): chr2:1,837,617, A>T on the plus strand (T>A on the coding strand, the complement: MYT1L is on the minus strand). VCF-style: chr2-1837617-A-T. GRCh37 (hg19) VCF-style: chr2-1841389-A-T.
Other names: c.3074+1532T>A (NM_015025.4, NM_001329847.2, NM_001329848.1 and 3 more transcripts); c.3080+1532T>A (NM_001329844.2, NM_001329845.1, NM_001329851.3).
Identifiers: ClinVar variation 4084675 (VCV004084675.8).